The following is an entry in ClinVar:

NM_001100.4(ACTA1):c.986T>C (p.Ile329Thr)

Gene: ACTA1 (actin alpha 1, skeletal muscle; minus strand). Cytogenetic location: 1q42.13.
Variant type: single nucleotide variant.
Coding change: c.986T>C on transcript NM_001100.4 (MANE Select); coding-DNA position 986, T replaced by C.
Protein change: p.Ile329Thr; replaces isoleucine 329 with threonine.
Molecular consequence: missense variant.
Genome position (GRCh38, 1-based): chr1:229,431,725, A>G on the plus strand (T>C on the coding strand, the complement: ACTA1 is on the minus strand). VCF-style: chr1-229431725-A-G. GRCh37 (hg19) VCF-style: chr1-229567472-A-G.
Other names: short protein forms I329T.
Identifiers: ClinVar variation 2075759 (VCV002075759.4), dbSNP rs2527436003, ClinGen allele CA345145230.
Genomic context (GRCh38, chr1:229,431,725, plus strand): 5'-GGGAGACCTCACCCTGGAGCCCACCCCGCCGACAGCCCGCGCAGGCCACCACCCACCTTG[A>G]TCTTCATGGTGCTGGGTGCCAGCGCGGTGATCTCTTTCTGCATGCGGTCAGCGATCCCAG-3'
Protein context (NP_001091.1, residues 319-339): ITALAPSTMK[Ile329Thr]KIIAPPERKY

ClinVar aggregate classification (germline): Uncertain significance (1 of 4 stars; one submission).

Conditions:
Actin accumulation myopathy (CMYO2A). Also called: Myopathy, actin, congenital, with cores; Nemaline myopathy 3, with intranuclear rods; CONGENITAL MYOPATHY 2A, TYPICAL, AUTOSOMAL DOMINANT; Nemaline myopathy type 3; Myopathy, actin, congenital, with excess of thin myofilaments. Identifiers: Orphanet 98904, MedGen C3711389, MONDO:0008070, OMIM 161800.

Submission:

Labcorp Genetics (formerly Invitae), Labcorp
Classification: Uncertain significance for Actin accumulation myopathy. Last evaluated: 2022-01-05. Review status: criteria provided, single submitter. Criteria: Invitae Variant Classification Sherloc (09022015). Collection method: clinical testing. Allele origin: germline.
Comment: This variant has not been reported in the literature in individuals affected with ACTA1-related conditions. In summary, the available evidence is currently insufficient to determine the role of this variant in disease. Therefore, it has been classified as a Variant of Uncertain Significance. Advanced modeling of protein sequence and biophysical properties (such as structural, functional, and spatial information, amino acid conservation, physicochemical variation, residue mobility, and thermodynamic stability) performed at Invitae indicates that this missense variant is expected to disrupt ACTA1 protein function. This variant is not present in population databases (gnomAD no frequency). This sequence change replaces isoleucine, which is neutral and non-polar, with threonine, which is neutral and polar, at codon 329 of the ACTA1 protein (p.Ile329Thr).